The following is an entry in ClinVar:

NM_017654.4(SAMD9):c.82A>G (p.Ile28Val)

Gene: SAMD9 (sterile alpha motif domain containing 9; minus strand). Cytogenetic location: 7q21.2.
Variant type: single nucleotide variant.
Coding change: c.82A>G on transcript NM_017654.4 (MANE Select); coding-DNA position 82, A replaced by G.
Protein change: p.Ile28Val; replaces isoleucine 28 with valine.
Molecular consequence: missense variant.
Genome position (GRCh38, 1-based): chr7:93,106,016, T>C on the plus strand (A>G on the coding strand, the complement: SAMD9 is on the minus strand). VCF-style: chr7-93106016-T-C. GRCh37 (hg19) VCF-style: chr7-92735329-T-C.
Other names: c.82A>G (NM_017654.3); c.82A>G, p.Ile28Val (NM_001193307.2); short protein forms I28V.
Identifiers: ClinVar variation 4535579 (VCV004535579.2).

ClinVar aggregate classification (germline): Uncertain significance. Review status: criteria provided, multiple submitters, no conflicts (2 of 4 stars). 2 submissions from 2 submitters: Uncertain significance (2). Last evaluated 2026-03-31.

Conditions:
Inborn genetic diseases. Identifiers: MedGen C0950123, MeSH D030342.

Submissions (2):

Ambry Genetics
Classification: Uncertain significance for Inborn genetic diseases. Last evaluated: 2026-03-31. Review status: criteria provided, single submitter. Criteria: Ambry Variant Classification Scheme 2023. Collection method: clinical testing. Allele origin: germline.
Comment: The p.I28V variant (also known as c.82A>G), located in coding exon 1 of the SAMD9 gene, results from an A to G substitution at nucleotide position 82. The isoleucine at codon 28 is replaced by valine, an amino acid with highly similar properties. This amino acid position is conserved. In addition, this alteration is predicted to be tolerated by in silico analysis. Based on the available evidence, the clinical significance of this variant remains unclear.

Women's Health and Genetics/Laboratory Corporation of America, LabCorp
Classification: Uncertain significance. Last evaluated: 2025-09-11. Review status: criteria provided, single submitter. Criteria: LabCorp Variant Classification Summary - May 2015. Collection method: clinical testing. Allele origin: germline.
Comment: Variant summary: SAMD9 c.82A>G (p.Ile28Val) results in a conservative amino acid change in the encoded protein sequence. Algorithms developed to predict the effect of missense changes on protein structure and function all suggest that this variant is likely to be tolerated. The variant allele was found at a frequency of 4.3e-06 in 234594 control chromosomes. The available data on variant occurrences in the general population are insufficient to allow any conclusion about variant significance. To our knowledge, no occurrence of c.82A>G in individuals affected with SAMD9-related conditions and no experimental evidence demonstrating its impact on protein function have been reported. No submitters have cited clinical-significance assessments for this variant to ClinVar. Based on the evidence outlined above, the variant was classified as uncertain significance.